The following is an entry in ClinVar:

NM_005932.4(MIPEP):c.1854G>A (p.Trp618Ter)

Gene: MIPEP (mitochondrial intermediate peptidase; minus strand). Cytogenetic location: 13q12.12.
Variant type: single nucleotide variant.
Coding change: c.1854G>A on transcript NM_005932.4 (MANE Select); coding-DNA position 1854, G replaced by A.
Protein change: p.Trp618Ter; replaces tryptophan 618 with a stop codon.
Molecular consequence: nonsense.
Genome position (GRCh38, 1-based): chr13:23,760,212, C>T on the plus strand (G>A on the coding strand, the complement: MIPEP is on the minus strand). VCF-style: chr13-23760212-C-T. GRCh37 (hg19) VCF-style: chr13-24334351-C-T.
Other names: short protein forms W618*.
Identifiers: ClinVar variation 3234957 (VCV003234957.1), dbSNP rs2547645010, ClinGen allele CA387680248.

ClinVar aggregate classification (germline): Likely pathogenic (1 of 4 stars; one submission).

Conditions:
Lethal left ventricular non-compaction-seizures-hypotonia-cataract-developmental delay syndrome. Also called: Combined oxidative phosphorylation deficiency 31. Identifiers: Orphanet 478049, MedGen C4310661, MONDO:0014976, OMIM 617228.

Submission:

Neuberg Centre For Genomic Medicine, NCGM
Classification: Likely pathogenic for Lethal left ventricular non-compaction-seizures-hypotonia-cataract-developmental delay syndrome. Review status: criteria provided, single submitter. Criteria: ACMG Guidelines, 2015. Collection method: clinical testing. Allele origin: germline. Inheritance: Autosomal recessive inheritance. Affected: yes.
Comment: The stop gained c.1854G>Ap.Trp618Ter variant in MIPEP gene has not been reported previously as a pathogenic variant nor as a benign variant, to our knowledge. This variant is novel not in any individuals in gnomAD Exomes and 1000 Genomes. This variant is predicted to cause loss of normal protein function either through protein truncation or nonsense-mediated mRNA decay. Loss of function variants have been previously reported to be disease causing. For these reasons, this variant has been classified as Likely Pathogenic.